The following is an entry in ClinVar:

ClinVar aggregate classification (germline): Pathogenic (1 of 4 stars; one submission).

Conditions:
Joubert syndrome. Also called: CEREBELLOPARENCHYMAL DISORDER IV; JOUBERT-BOLTSHAUSER SYNDROME; Familial aplasia of the vermis. Identifiers: Orphanet 475, MedGen C5979921, MONDO:0018772.
Meckel-Gruber syndrome. Also called: DYSENCEPHALIA SPLANCHNOCYSTICA; GRUBER SYNDROME; Dysencephalia splachnocystica. Identifiers: Orphanet 564, MedGen C0265215, MONDO:0018921.

Submission:

Labcorp Genetics (formerly Invitae), Labcorp
Classification: Pathogenic for Joubert syndrome; Meckel-Gruber syndrome. Last evaluated: 2022-08-31. Review status: criteria provided, single submitter. Criteria: Invitae Variant Classification Sherloc (09022015). Collection method: clinical testing. Allele origin: germline.
Comment: For these reasons, this variant has been classified as Pathogenic. This variant has not been reported in the literature in individuals affected with RPGRIP1L-related conditions. This variant is not present in population databases (gnomAD no frequency). This sequence change creates a premature translational stop signal (p.Gln1023*) in the RPGRIP1L gene. It is expected to result in an absent or disrupted protein product. Loss-of-function variants in RPGRIP1L are known to be pathogenic (PMID: 17558409).

Literature cited by the submitters: PubMed 17558409.

NM_015272.5(RPGRIP1L):c.3067C>T (p.Gln1023Ter)

Gene: RPGRIP1L (RPGRIP1 like; minus strand). Cytogenetic location: 16q12.2.
Variant type: single nucleotide variant.
Coding change: c.3067C>T on transcript NM_015272.5 (MANE Select); coding-DNA position 3067, C replaced by T.
Protein change: p.Gln1023Ter; replaces glutamine 1023 with a stop codon.
Molecular consequence: nonsense.
Genome position (GRCh38, 1-based): chr16:53,637,848, G>A on the plus strand (C>T on the coding strand, the complement: RPGRIP1L is on the minus strand). VCF-style: chr16-53637848-G-A. GRCh37 (hg19) VCF-style: chr16-53671760-G-A.
Other names: c.2965C>T, p.Gln989Ter (NM_001127897.4, NM_001330538.2); c.3067C>T, p.Gln1023Ter (NM_001308334.3); short protein forms Q1023*, Q989*.
Identifiers: ClinVar variation 2024655 (VCV002024655.4), dbSNP rs1483413866, ClinGen allele CA395926467.
Genomic context (GRCh38, chr16:53,637,848, plus strand): 5'-CATCTTTTCCTTGCTGCATTTTCTCAGTATTCTCTTTTACCTCATCTACACTGCCTTCTT[G>A]TGAAACCTGAAGAAATCAAAGCACACTGGTATATTTATAATTGCTTAGATCACATTTTAT-3'